The following is an entry in ClinVar:

NM_031935.3(HMCN1):c.8901_8919del (p.Gly2968fs)

Gene: HMCN1 (hemicentin 1; plus strand). Cytogenetic location: 1q31.1.
Variant type: Deletion.
Coding change: c.8901_8919del on transcript NM_031935.3 (MANE Select); coding-DNA positions 8901 to 8919, 19 bases deleted (TGGTCCTAAATCTGAAAAT).
Protein change: p.Gly2968fs; shifts the reading frame from glycine 2968.
Molecular consequence: frameshift variant.
Genome position (GRCh38, 1-based): chr1:186,086,262-186,086,280, TGGTCCTAAATCTGAAAAT deleted; deleting any 19 consecutive bases within chr1:186,086,260-186,086,280 gives the same sequence; the c. name uses the placement nearest the transcript's 3' end. VCF-style (leftmost placement, unchanged base first): chr1-186086259-CATTGGTCCTAAATCTGAAA-C. GRCh37 (hg19) VCF-style: chr1-186055391-CATTGGTCCTAAATCTGAAA-C.
Other names: short protein forms G2968fs.
Identifiers: ClinVar variation 2762496 (VCV002762496.3), dbSNP rs2527884533, ClinGen allele CA2697554736.

ClinVar aggregate classification (germline): Uncertain significance (1 of 4 stars; one submission).

Submission:

Labcorp Genetics (formerly Invitae), Labcorp
Classification: Uncertain significance. Last evaluated: 2023-10-05. Review status: criteria provided, single submitter. Criteria: Invitae Variant Classification Sherloc (09022015). Collection method: clinical testing. Allele origin: germline.
Comment: This sequence change creates a premature translational stop signal (p.Gly2968Leufs*5) in the HMCN1 gene. It is expected to result in an absent or disrupted protein product. However, the current clinical and genetic evidence is not sufficient to establish whether loss-of-function variants in HMCN1 cause disease. This variant is not present in population databases (gnomAD no frequency). This variant has not been reported in the literature in individuals affected with HMCN1-related conditions. In summary, the available evidence is currently insufficient to determine the role of this variant in disease. Therefore, it has been classified as a Variant of Uncertain Significance.